The following is an entry in ClinVar:

ClinVar aggregate classification (germline): Pathogenic. Review status: reviewed by expert panel (3 of 4 stars). 3 submissions from 3 submitters: Pathogenic (1). 2 of the submissions do not count toward it. Last evaluated 2017-12-15.

Conditions:
Hereditary breast ovarian cancer syndrome. Also called: Hereditary breast and ovarian cancer; Hereditary breast and ovarian cancer syndrome (HBOC); Hereditary breast and/or ovarian cancer syndrome; Breast and ovarian cancer; Hereditary breast and ovarian cancer syndrome; BRCA1- and BRCA2-Associated Hereditary Breast and Ovarian Cancer. Identifiers: Orphanet 145, MedGen C0677776, MeSH D061325, MONDO:0003582. Disease mechanism: loss of function.
Breast-ovarian cancer, familial, susceptibility to, 2 (BROVCA2). Also called: BRCA2 Hereditary Breast and Ovarian Cancer. Identifiers: Orphanet 145, MedGen C2675520, MONDO:0012933, OMIM 612555. Disease mechanism: loss of function.

Submissions (3):

Evidence-based Network for the Interpretation of Germline Mutant Alleles (ENIGMA)
Classification: Pathogenic for Breast-ovarian cancer, familial, susceptibility to, 2. Last evaluated: 2017-12-15. Review status: reviewed by expert panel. Criteria: ENIGMA BRCA1/2 Classification Criteria (2017-06-29). Collection method: curation. Allele origin: germline. Study: ENIGMA.
Comment: Variant allele predicted to encode a truncated non-functional protein.

Labcorp Genetics (formerly Invitae), Labcorp
Classification: Pathogenic for Hereditary breast ovarian cancer syndrome. Last evaluated: 2019-11-01. Review status: criteria provided, single submitter. Criteria: Invitae Variant Classification Sherloc (09022015). Collection method: clinical testing. Allele origin: germline. Not counted in ClinVar's aggregate classification.
Comment: For these reasons, this variant has been classified as Pathogenic. Loss-of-function variants in BRCA2 are known to be pathogenic (PMID: 20104584). This variant has not been reported in the literature in individuals with BRCA2-related conditions. ClinVar contains an entry for this variant (Variation ID: 418075). This variant is not present in population databases (ExAC no frequency). This sequence change creates a premature translational stop signal (p.Leu74Argfs*6) in the BRCA2 gene. It is expected to result in an absent or disrupted protein product.

GeneDx
Classification: Pathogenic. Last evaluated: 2014-10-23. Review status: criteria provided, single submitter. Criteria: GeneDx Variant Classification (06012015). Collection method: clinical testing. Allele origin: germline. Affected: yes. Not counted in ClinVar's aggregate classification.
Comment: This deletion of one nucleotide in BRCA2 is denoted c.221delT at the cDNA level and p.Leu74ArgfsX6 (L74RfsX6) at the protein level. The normal sequence, with the bases that are deleted in brackets, is CAGC[T]GGCT. The deletion causes a frameshift, which changes a Leucine to an Arginine at codon 74, and creates a premature stop codon at position 6 of the new reading frame. Although this variant has not, to our knowledge, been reported in the literature, it is predicted to cause loss of normal protein function through either protein truncation or nonsense-mediated mRNA decay. we consider this variant to be pathogenic.

Literature cited by the submitters: PubMed 20104584 (cited by Labcorp Genetics (formerly Invitae), Labcorp).

NM_000059.4(BRCA2):c.221del (p.Leu74fs)

Gene: BRCA2 (BRCA2 DNA repair associated; plus strand). Cytogenetic location: 13q13.1.
Variant type: Deletion.
Coding change: c.221del on transcript NM_000059.4 (MANE Select); coding-DNA position 221, one base deleted (T; older notation c.221delT).
Protein change: p.Leu74fs; shifts the reading frame from leucine 74.
Molecular consequence: frameshift variant.
Genome position (GRCh38, 1-based): chr13:32,319,230, T deleted. VCF-style (leftmost placement, unchanged base first): chr13-32319229-CT-C. GRCh37 (hg19) VCF-style: chr13-32893366-CT-C.
Other names: c.221delT (NM_000059.3); short protein forms L74fs.
Identifiers: ClinVar variation 418075 (VCV000418075.10), dbSNP rs1064793061, ClinGen allele CA16619639.